The following is an entry in ClinVar:

ClinVar aggregate classification (germline): Benign/Likely benign. Review status: criteria provided, multiple submitters, no conflicts (2 of 4 stars). 7 submissions from 7 submitters: Benign (3); Likely benign (3). 1 of the submissions does not count toward it. Last evaluated 2026-01-10.

Conditions:
CHCHD10-related disorder. Also called: CHCHD10-Related Disorders; CHCHD10-related condition. Identifiers: MedGen CN381526.
Inborn genetic diseases. Identifiers: MedGen C0950123, MeSH D030342.
Autosomal dominant mitochondrial myopathy with exercise intolerance (IMMD). Also called: Myopathy, isolated mitochondrial, autosomal dominant. Identifiers: Orphanet 457050, MedGen C4015513, MONDO:0014532, OMIM 616209.
Frontotemporal dementia and/or amyotrophic lateral sclerosis 2. Also called: FTDALS2. Identifiers: Orphanet 275872, MedGen C4014648, MONDO:0014395, OMIM 615911.
Lower motor neuron syndrome with late-adult onset (SMAJ). Also called: Late-Onset Spinal Motor Neuronopathy (SMAJ); Spinal muscular atrophy, Jokela type. Identifiers: Orphanet 276435, MedGen C3554398, MONDO:0014025, OMIM 615048.

Allele frequency attached by ClinVar (database versions not stated): gnomAD exomes 0.00020 and 0.00056; ExAC 0.00078; gnomAD 0.00215 and 0.00227; ESP Exome Variant Server 0.00246; TOPMed 0.00249; 1000 Genomes Project 0.00319; 1000 Genomes Project 30x 0.00344.
gnomAD v4.1: 618 of 1,608,486 alleles (0.038%); highest among the groups gnomAD compares: African/African-American, 0.76%; 2 homozygotes.

Submissions (7):

Labcorp Genetics (formerly Invitae), Labcorp
Classification: Benign for Lower motor neuron syndrome with late-adult onset; Frontotemporal dementia and/or amyotrophic lateral sclerosis 2; Autosomal dominant mitochondrial myopathy with exercise intolerance. Last evaluated: 2026-01-10. Review status: criteria provided, single submitter. Criteria: Invitae Variant Classification Sherloc (09022015). Collection method: clinical testing. Allele origin: germline.

Mayo Clinic Laboratories, Mayo Clinic
Classification: Likely benign. Last evaluated: 2025-09-19. Review status: criteria provided, single submitter. Criteria: ACMG Guidelines, 2015. Collection method: clinical testing. Allele origin: germline. Observed: 7 variant alleles.
Comment: BS2, BP4_moderate, BP7

Blueprint Genetics
Classification: Likely benign. Last evaluated: 2022-09-13. Review status: criteria provided, single submitter. Criteria: ACMG Guidelines, 2015. Collection method: clinical testing. Allele origin: germline.

Ambry Genetics
Classification: Likely benign for Inborn genetic diseases. Last evaluated: 2019-07-11. Review status: criteria provided, single submitter. Criteria: Ambry Variant Classification Scheme 2023. Collection method: clinical testing. Allele origin: germline.

GeneDx
Classification: Benign. Last evaluated: 2019-01-09. Review status: criteria provided, single submitter. Criteria: GeneDx Variant Classification Process June 2021. Collection method: clinical testing. Allele origin: germline. Affected: yes.
Comment: This variant is associated with the following publications: (PMID: 27095681)

Breakthrough Genomics
Classification: Benign. Review status: criteria provided, single submitter. Criteria: ACMG Guidelines, 2015. Collection method: not provided. Allele origin: germline. Inheritance: Autosomal dominant inheritance. Affected: yes.

PreventionGenetics, part of Exact Sciences
Classification: Benign for CHCHD10-related condition. Last evaluated: 2019-07-08. Review status: no assertion criteria provided. Collection method: clinical testing. Allele origin: germline. Not counted in ClinVar's aggregate classification.
Comment: This variant is classified as benign based on ACMG/AMP sequence variant interpretation guidelines (Richards et al. 2015 PMID: 25741868, with internal and published modifications).

Literature cited by the submitters: PubMed 27095681 (cited by Mayo Clinic Laboratories, Mayo Clinic); PubMed 39444183 (cited by Mayo Clinic Laboratories, Mayo Clinic).

NM_213720.3(CHCHD10):c.330G>A (p.Leu110=)

Gene: CHCHD10 (coiled-coil-helix-coiled-coil-helix domain containing 10; minus strand). Cytogenetic location: 22q11.23.
Variant type: single nucleotide variant.
Coding change: c.330G>A on transcript NM_213720.3 (MANE Select); coding-DNA position 330, G replaced by A.
Protein change: p.Leu110=; no amino-acid change (leucine 110 retained).
Molecular consequence: synonymous variant. On other transcripts: non-coding transcript variant (2).
Genome position (GRCh38, 1-based): chr22:23,766,207, C>T on the plus strand (G>A on the coding strand, the complement: CHCHD10 is on the minus strand). VCF-style: chr22-23766207-C-T. GRCh37 (hg19) VCF-style: chr22-24108394-C-T.
Other names: p.Leu110=; c.351G>A, p.Leu117= (NM_001301339.2).
Identifiers: ClinVar variation 473425 (VCV000473425.20), dbSNP rs138183274, ClinGen allele CA10145258.